The following is an entry in ClinVar:

NM_005477.3(HCN4):c.3378C>G (p.Ser1126Arg)

Gene: HCN4 (hyperpolarization activated cyclic nucleotide gated potassium channel 4; minus strand). Cytogenetic location: 15q24.1.
Variant type: single nucleotide variant.
Coding change: c.3378C>G on transcript NM_005477.3 (MANE Select); coding-DNA position 3378, C replaced by G.
Protein change: p.Ser1126Arg; replaces serine 1126 with arginine.
Molecular consequence: missense variant.
Genome position (GRCh38, 1-based): chr15:73,322,715, G>C on the plus strand (C>G on the coding strand, the complement: HCN4 is on the minus strand). VCF-style: chr15-73322715-G-C. GRCh37 (hg19) VCF-style: chr15-73615056-G-C.
Other names: short protein forms S1126R.
Identifiers: ClinVar variation 1310223 (VCV001310223.5), dbSNP rs758673317, ClinGen allele CA393085445.

ClinVar aggregate classification (germline): Uncertain significance. Review status: criteria provided, multiple submitters, no conflicts (2 of 4 stars). 3 submissions from 3 submitters: Uncertain significance (3). Last evaluated 2023-07-25.

Conditions:
Cardiovascular phenotype. Identifiers: MedGen CN230736.
Sick sinus syndrome 2, autosomal dominant (SSS2). Also called: ATRIAL FIBRILLATION WITH BRADYARRHYTHMIA; SICK SINUS SYNDROME 2; SICK SINUS SYNDROME 2 WITH OR WITHOUT CARDIAC NONCOMPACTION AND/OR ASCENDING AORTA DILATION; SINUS BRADYCARDIA SYNDROME, FAMILIAL, AUTOSOMAL DOMINANT; SINUS NODE DISEASE, FAMILIAL, AUTOSOMAL DOMINANT. Identifiers: Orphanet 166282, MedGen C1834144, MONDO:0008102, OMIM 163800.
Brugada syndrome 8 (BRGDA8). Identifiers: Orphanet 130, MedGen C2751083, MONDO:0013148, OMIM 613123.
Epilepsy, idiopathic generalized, susceptibility to, 18. Identifiers: MedGen C5561983, MONDO:0030434, OMIM 619521.

gnomAD v4.1: 2 of 1,566,472 alleles (0.00013%); highest among the groups gnomAD compares: Admixed American, 0.0038%; no homozygotes.

Submissions (3):

Ambry Genetics
Classification: Uncertain significance for Cardiovascular phenotype. Last evaluated: 2023-07-25. Review status: criteria provided, single submitter. Criteria: Ambry Variant Classification Scheme 2023. Collection method: clinical testing. Allele origin: germline.
Comment: The p.S1126R variant (also known as c.3378C>G), located in coding exon 8 of the HCN4 gene, results from a C to G substitution at nucleotide position 3378. The serine at codon 1126 is replaced by arginine, an amino acid with dissimilar properties. This amino acid position is conserved. In addition, this alteration is predicted to be tolerated by in silico analysis. Since supporting evidence is limited at this time, the clinical significance of this alteration remains unclear.

Fulgent Genetics
Classification: Uncertain significance for Sick sinus syndrome 2, autosomal dominant; Brugada syndrome 8; Epilepsy, idiopathic generalized, susceptibility to, 18. Last evaluated: 2021-08-06. Review status: criteria provided, single submitter. Criteria: ACMG Guidelines, 2015. Collection method: clinical testing. Allele origin: unknown.

GeneDx
Classification: Uncertain significance. Last evaluated: 2019-11-08. Review status: criteria provided, single submitter. Criteria: GeneDx Variant Classification Process June 2021. Collection method: clinical testing. Allele origin: germline. Affected: yes.
Comment: Has not been previously published as pathogenic or benign to our knowledge; Not observed at a significant frequency in large population cohorts (Lek et al., 2016); In silico analysis, which includes protein predictors and evolutionary conservation, supports that this variant does not alter protein structure/function